The following is an entry in ClinVar:

NM_022835.3(PLEKHG2):c.2801C>T (p.Ala934Val)

Gene: PLEKHG2 (pleckstrin homology and RhoGEF domain containing G2; plus strand). Cytogenetic location: 19q13.2.
Variant type: single nucleotide variant.
Coding change: c.2801C>T on transcript NM_022835.3 (MANE Select); coding-DNA position 2801, C replaced by T.
Protein change: p.Ala934Val; replaces alanine 934 with valine.
Molecular consequence: missense variant. On other transcripts: intron variant (1).
Genome position (GRCh38, 1-based): chr19:39,423,934, C>T. VCF-style: chr19-39423934-C-T. GRCh37 (hg19) VCF-style: chr19-39914574-C-T.
Other names: c.2624C>T, p.Ala875Val (NM_001351693.2); c.1678-1304C>T (NM_001351694.2); short protein forms A934V, A875V.
Identifiers: ClinVar variation 1519047 (VCV001519047.8), dbSNP rs1343878585, ClinGen allele CA405801613.

ClinVar aggregate classification (germline): Uncertain significance (1 of 4 stars; one submission).

Allele frequency attached by ClinVar (database versions not stated): TOPMed 0.00001.

Submission:

Labcorp Genetics (formerly Invitae), Labcorp
Classification: Uncertain significance. Last evaluated: 2024-02-24. Review status: criteria provided, single submitter. Criteria: Invitae Variant Classification Sherloc (09022015). Collection method: clinical testing. Allele origin: germline.
Comment: This sequence change replaces alanine, which is neutral and non-polar, with valine, which is neutral and non-polar, at codon 934 of the PLEKHG2 protein (p.Ala934Val). This variant is not present in population databases (gnomAD no frequency). This variant has not been reported in the literature in individuals affected with PLEKHG2-related conditions. ClinVar contains an entry for this variant (Variation ID: 1519047). Algorithms developed to predict the effect of missense changes on protein structure and function output the following: SIFT: "Not Available"; PolyPhen-2: "Benign"; Align-GVGD: "Not Available". The valine amino acid residue is found in multiple mammalian species, which suggests that this missense change does not adversely affect protein function. In summary, the available evidence is currently insufficient to determine the role of this variant in disease. Therefore, it has been classified as a Variant of Uncertain Significance.